The following is an entry in ClinVar:

ClinVar aggregate classification (germline): Uncertain significance (1 of 4 stars; one submission).

Conditions:
Autosomal dominant Parkinson disease 8. Also called: LRRK2-Related Parkinson Disease; Parkinson disease 8; Parkinson disease 8, susceptibility to. Identifiers: Orphanet 411602, MedGen C1846862, MONDO:0011764, OMIM 607060.

Submission:

Labcorp Genetics (formerly Invitae), Labcorp
Classification: Uncertain significance for Autosomal dominant Parkinson disease 8. Last evaluated: 2025-02-11. Review status: criteria provided, single submitter. Criteria: Invitae Variant Classification Sherloc (09022015). Collection method: clinical testing. Allele origin: germline.
Comment: This sequence change replaces lysine, which is basic and polar, with glutamic acid, which is acidic and polar, at codon 1015 of the LRRK2 protein (p.Lys1015Glu). This variant is not present in population databases (gnomAD no frequency). This variant has not been reported in the literature in individuals affected with LRRK2-related conditions. Invitae Evidence Modeling of protein sequence and biophysical properties (such as structural, functional, and spatial information, amino acid conservation, physicochemical variation, residue mobility, and thermodynamic stability) has been performed for this missense variant. However, the output from this modeling did not meet the statistical confidence thresholds required to predict the impact of this variant on LRRK2 protein function. In summary, the available evidence is currently insufficient to determine the role of this variant in disease. Therefore, it has been classified as a Variant of Uncertain Significance.

NM_198578.4(LRRK2):c.3043A>G (p.Lys1015Glu)

Gene: LRRK2 (leucine rich repeat kinase 2; plus strand). Cytogenetic location: 12q12.
Variant type: single nucleotide variant.
Coding change: c.3043A>G on transcript NM_198578.4 (MANE Select); coding-DNA position 3043, A replaced by G.
Protein change: p.Lys1015Glu; replaces lysine 1015 with glutamic acid.
Molecular consequence: missense variant.
Genome position (GRCh38, 1-based): chr12:40,295,591, A>G. VCF-style: chr12-40295591-A-G. GRCh37 (hg19) VCF-style: chr12-40689393-A-G.
Other names: short protein forms K1015E.
Identifiers: ClinVar variation 4714482 (VCV004714482.1).
Genomic context (GRCh38, chr12:40,295,591, plus strand): 5'-AGAGATATTGATGCCCTAAGCCAGAAATGCTGTATAAGTGTTCATTTGGAGCATCTTGAA[A>G]AGCTGGAGCTTCACCAGAATGCACTCACGAGCTTTCCACAACAGCTATGTGAAGTAAATT-3'
Protein context (NP_940980.4, residues 1005-1025): CISVHLEHLE[Lys1015Glu]LELHQNALTS